The following is an entry in ClinVar:

ClinVar aggregate classification (germline): Uncertain significance (1 of 4 stars; one submission).

Allele frequency attached by ClinVar (database versions not stated): gnomAD exomes 0.00001 and 0.00002; TOPMed 0.00001; ExAC 0.00002; gnomAD 0.00002.
gnomAD v4.1: 22 of 1,614,062 alleles (0.0014%); highest among the groups gnomAD compares: South Asian, 0.0066%; no homozygotes.

Submission:

Labcorp Genetics (formerly Invitae), Labcorp
Classification: Uncertain significance. Last evaluated: 2025-04-28. Review status: criteria provided, single submitter. Criteria: Invitae Variant Classification Sherloc (09022015). Collection method: clinical testing. Allele origin: germline.
Comment: This sequence change replaces valine, which is neutral and non-polar, with methionine, which is neutral and non-polar, at codon 141 of the SERPING1 protein (p.Val141Met). This variant is present in population databases (rs766192615, gnomAD 0.01%). This variant has not been reported in the literature in individuals affected with SERPING1-related conditions. ClinVar contains an entry for this variant (Variation ID: 1467067). Invitae Evidence Modeling of protein sequence and biophysical properties (such as structural, functional, and spatial information, amino acid conservation, physicochemical variation, residue mobility, and thermodynamic stability) indicates that this missense variant is not expected to disrupt SERPING1 protein function with a negative predictive value of 80%. In summary, the available evidence is currently insufficient to determine the role of this variant in disease. Therefore, it has been classified as a Variant of Uncertain Significance.

NM_000062.3(SERPING1):c.421G>A (p.Val141Met)

Gene: SERPING1 (serpin family G member 1; plus strand). Cytogenetic location: 11q12.1.
Variant type: single nucleotide variant.
Coding change: c.421G>A on transcript NM_000062.3 (MANE Select); coding-DNA position 421, G replaced by A.
Protein change: p.Val141Met; replaces valine 141 with methionine.
Molecular consequence: missense variant.
Genome position (GRCh38, 1-based): chr11:57,600,248, G>A. VCF-style: chr11-57600248-G-A. GRCh37 (hg19) VCF-style: chr11-57367721-G-A.
Other names: c.421G>A, p.Val141Met (NM_001032295.2); short protein forms V141M.
Identifiers: ClinVar variation 1467067 (VCV001467067.8), dbSNP rs766192615, ClinGen allele CA6008033.